The following is an entry in ClinVar:

NM_001672.3(ASIP):c.91C>T (p.Arg31Ter)

Genes: AHCY (adenosylhomocysteinase; minus strand), ASIP (agouti signaling protein; plus strand). Cytogenetic location: 20q11.22.
Variant type: single nucleotide variant.
Coding change: c.91C>T on transcript NM_001672.3 (MANE Select); coding-DNA position 91, C replaced by T.
Protein change: p.Arg31Ter; replaces arginine 31 with a stop codon.
Molecular consequence: nonsense.
Genome position (GRCh38, 1-based): chr20:34,260,465, C>T. VCF-style: chr20-34260465-C-T. GRCh37 (hg19) VCF-style: chr20-32848271-C-T.
Other names: c.91C>T, p.Arg31Ter (NM_001385218.1); short protein forms R31*.
Identifiers: ClinVar variation 4990450 (VCV004990450.1).

ClinVar aggregate classification (germline): Uncertain significance (1 of 4 stars; one submission).

Conditions:
ASIP-related condition.

gnomAD v4.1: 8 of 1,614,102 alleles (0.0005%); highest among the groups gnomAD compares: African/African-American, 0.0027%; no homozygotes.

Submission:

PreventionGenetics, part of Exact Sciences
Classification: Uncertain significance for ASIP-related condition. Last evaluated: 2025-04-18. Review status: criteria provided, single submitter. Criteria: ACMG Guidelines, 2015. Collection method: clinical testing. Allele origin: germline.
Comment: The ASIP c.91C>T variant is predicted to result in premature protein termination (p.Arg31*). To our knowledge, this variant has not been reported in the literature. Loss of function is not an established mechanism of ASIP-related disease. This variant is reported in 0.0062% of alleles in individuals of African descent in gnomAD. At this time, the clinical significance of this variant is uncertain due to the absence of conclusive functional and genetic evidence.